The following is an entry in ClinVar:

NM_004369.4(COL6A3):c.8244G>A (p.Pro2748=)

Gene: COL6A3 (collagen type VI alpha 3 chain; minus strand). Cytogenetic location: 2q37.3.
Variant type: single nucleotide variant.
Coding change: c.8244G>A on transcript NM_004369.4 (MANE Select); coding-DNA position 8244, G replaced by A.
Protein change: p.Pro2748=; no amino-acid change (proline 2748 retained).
Molecular consequence: synonymous variant.
Genome position (GRCh38, 1-based): chr2:237,340,672, C>T on the plus strand (G>A on the coding strand, the complement: COL6A3 is on the minus strand). VCF-style: chr2-237340672-C-T. GRCh37 (hg19) VCF-style: chr2-238249315-C-T.
Other names: c.6423G>A, p.Pro2141= (NM_057166.5); c.7626G>A, p.Pro2542= (NM_057167.4).
Identifiers: ClinVar variation 388604 (VCV000388604.13), dbSNP rs113754336, ClinGen allele CA2187591.
Genomic context (GRCh38, chr2:237,340,672, plus strand): 5'-GAAGTAGCCCTTGCATTTGGCCTGCAGGATGACTCTCTGGGCCTCCTCCAGCTGCTGCTC[C>T]GGCACCTCGCCCGTCAGCATCAGGACCACAATTTTCAGGTCCCGTGGGTTTGGGGCACTT-3'
Protein context (NP_004360.2, residues 2738-2758): IVVLMLTGEV[Pro2748=]EQQLEEAQRV

ClinVar aggregate classification (germline): Likely benign. Review status: criteria provided, multiple submitters, no conflicts (2 of 4 stars). 4 submissions from 4 submitters: Likely benign (3). 1 of the submissions does not count toward it. Last evaluated 2026-05-07.

Conditions:
COL6A3-related disorder. Also called: COL6A3-related disorders; COL6A3-related condition.
Bethlem myopathy 1A. Also called: MYOPATHY, BENIGN CONGENITAL, WITH CONTRACTURES; Bethlem Muscular Dystrophy; Bethlem myopathy 1. Identifiers: Orphanet 610, MedGen CN029274, MONDO:0024530, OMIM 158810.

Allele frequency attached by ClinVar (database versions not stated): ExAC 0.00004; gnomAD 0.00004; gnomAD exomes 0.00005 and 0.00006; TOPMed 0.00005.
gnomAD v4.1: 78 of 1,614,094 alleles (0.0048%); highest among the groups gnomAD compares: Middle Eastern, 0.016%; no homozygotes.

Submissions (4):

Women's Health and Genetics/Laboratory Corporation of America, LabCorp
Classification: Likely benign. Last evaluated: 2026-05-07. Review status: criteria provided, single submitter. Criteria: LabCorp Variant Classification Summary - May 2015. Collection method: clinical testing. Allele origin: germline.

Labcorp Genetics (formerly Invitae), Labcorp
Classification: Likely benign for Bethlem myopathy 1A. Last evaluated: 2026-01-12. Review status: criteria provided, single submitter. Criteria: Invitae Variant Classification Sherloc (09022015). Collection method: clinical testing. Allele origin: germline.

GeneDx
Classification: Likely benign. Last evaluated: 2016-08-25. Review status: criteria provided, single submitter. Criteria: GeneDx Variant Classification (06012015). Collection method: clinical testing. Allele origin: germline. Affected: yes.
Comment: This variant is considered likely benign or benign based on one or more of the following criteria: it is a conservative change, it occurs at a poorly conserved position in the protein, it is predicted to be benign by multiple in silico algorithms, and/or has population frequency not consistent with disease.

PreventionGenetics, part of Exact Sciences
Classification: Likely benign for COL6A3-related condition. Last evaluated: 2022-09-08. Review status: no assertion criteria provided. Collection method: clinical testing. Allele origin: germline. Not counted in ClinVar's aggregate classification.
Comment: This variant is classified as likely benign based on ACMG/AMP sequence variant interpretation guidelines (Richards et al. 2015 PMID: 25741868, with internal and published modifications).